The following is an entry in ClinVar:

ClinVar aggregate classification (germline): Uncertain significance (1 of 4 stars; one submission).

Allele frequency attached by ClinVar (database versions not stated): gnomAD exomes 0.00002; ExAC 0.00010; TOPMed 0.00023; gnomAD 0.00025; ESP Exome Variant Server 0.00031.
gnomAD v4.1: 80 of 1,614,152 alleles (0.005%); highest among the groups gnomAD compares: African/African-American, 0.091%; no homozygotes.

Submission:

Labcorp Genetics (formerly Invitae), Labcorp
Classification: Uncertain significance. Last evaluated: 2024-01-09. Review status: criteria provided, single submitter. Criteria: Invitae Variant Classification Sherloc (09022015). Collection method: clinical testing. Allele origin: germline.
Comment: This sequence change replaces serine, which is neutral and polar, with alanine, which is neutral and non-polar, at codon 210 of the MDH2 protein (p.Ser210Ala). This variant is present in population databases (rs377640653, gnomAD 0.1%). This missense change has been observed in individual(s) with pheochromocytoma (PMID: 30877234). ClinVar contains an entry for this variant (Variation ID: 2199328). Advanced modeling of protein sequence and biophysical properties (such as structural, functional, and spatial information, amino acid conservation, physicochemical variation, residue mobility, and thermodynamic stability) has been performed at Invitae for this missense variant, however the output from this modeling did not meet the statistical confidence thresholds required to predict the impact of this variant on MDH2 protein function. In summary, the available evidence is currently insufficient to determine the role of this variant in disease. Therefore, it has been classified as a Variant of Uncertain Significance.

Literature cited by the submitters: PubMed 30877234.

NM_005918.4(MDH2):c.628T>G (p.Ser210Ala)

Gene: MDH2 (malate dehydrogenase 2; plus strand). Cytogenetic location: 7q11.23.
Variant type: single nucleotide variant.
Coding change: c.628T>G on transcript NM_005918.4 (MANE Select); coding-DNA position 628, T replaced by G.
Protein change: p.Ser210Ala; replaces serine 210 with alanine.
Molecular consequence: missense variant.
Genome position (GRCh38, 1-based): chr7:76,063,587, T>G. VCF-style: chr7-76063587-T-G. GRCh37 (hg19) VCF-style: chr7-75692905-T-G.
Other names: c.502T>G, p.Ser168Ala (NM_001282403.2); c.307T>G, p.Ser103Ala (NM_001282404.2); short protein forms S210A, S168A, S103A.
Identifiers: ClinVar variation 2199328 (VCV002199328.2), dbSNP rs377640653, ClinGen allele CA4305617.